The following is an entry in ClinVar:

ClinVar aggregate classification (germline): Conflicting classifications of pathogenicity. Review status: criteria provided, conflicting classifications (1 of 4 stars). 7 submissions from 7 submitters: Uncertain significance (6); Benign (1). Last evaluated 2026-01-08.

Conditions:
Hereditary cancer-predisposing syndrome. Also called: Neoplastic Syndromes, Hereditary; Hereditary Cancer Syndrome; Tumor predisposition; Hereditary neoplastic syndrome. Identifiers: Orphanet 140162, MedGen C0027672, MeSH D009386, MONDO:0015356.
Juvenile myelomonocytic leukemia (JMML). Also called: LEUKEMIA, JUVENILE MYELOMONOCYTIC, SOMATIC. Identifiers: Orphanet 86834, MedGen C0349639, MONDO:0011908, OMIM 607785, HP:0012209.
Neurofibromatosis, familial spinal (FSNF). Identifiers: Orphanet 636, MedGen C1834235, MONDO:0008078, OMIM 162210. Disease mechanism: loss of function.
Neurofibromatosis-Noonan syndrome (NFNS). Also called: NEUROFIBROMATOSIS WITH NOONAN PHENOTYPE. Identifiers: Orphanet 638, MedGen C2931482, MONDO:0011035, OMIM 601321. Disease mechanism: loss of function.
Café-au-lait macules with pulmonary stenosis (WTSN). Also called: PULMONIC STENOSIS WITH CAFE-AU-LAIT SPOTS. Identifiers: MedGen C0553586, MONDO:0008672, OMIM 193520.
Neurofibromatosis, type 1 (NF1). Also called: VON RECKLINGHAUSEN DISEASE; Peripheral type neurofibromatosis; NEUROFIBROMATOSIS, TYPE I, SOMATIC; Neurofibromatosis, type I. Identifiers: Orphanet 636, MedGen C0027831, MONDO:0018975, OMIM 162200. Disease mechanism: loss of function.

Allele frequency attached by ClinVar (database versions not stated): gnomAD exomes below 0.00001 and 0.00003; TOPMed below 0.00001; ExAC 0.00001; gnomAD 0.00001.

Submissions (7):

Labcorp Genetics (formerly Invitae), Labcorp
Classification: Benign for Neurofibromatosis, type 1. Last evaluated: 2026-01-08. Review status: criteria provided, single submitter. Criteria: Invitae Variant Classification Sherloc (09022015). Collection method: clinical testing. Allele origin: germline.

Fulgent Genetics
Classification: Uncertain significance for Neurofibromatosis, type 1; Neurofibromatosis, familial spinal; Café-au-lait macules with pulmonary stenosis; Neurofibromatosis-Noonan syndrome; Juvenile myelomonocytic leukemia. Last evaluated: 2024-04-08. Review status: criteria provided, single submitter. Criteria: ACMG Guidelines, 2015. Collection method: clinical testing. Allele origin: germline.

Baylor Genetics
Classification: Uncertain significance for Juvenile myelomonocytic leukemia. Last evaluated: 2023-09-04. Review status: criteria provided, single submitter. Criteria: ACMG Guidelines, 2015. Collection method: clinical testing. Allele origin: unknown.

GeneDx
Classification: Uncertain significance. Last evaluated: 2022-12-23. Review status: criteria provided, single submitter. Criteria: GeneDx Variant Classification Process June 2021. Collection method: clinical testing. Allele origin: germline. Affected: yes.
Comment: In silico analysis supports that this missense variant does not alter protein structure/function; Has not been previously published as pathogenic or benign to our knowledge; This variant is associated with the following publications: (PMID: 25486365)

Genome-Nilou Lab
Classification: Uncertain significance for Neurofibromatosis, type 1. Last evaluated: 2022-03-15. Review status: criteria provided, single submitter. Criteria: ACMG Guidelines, 2015. Collection method: clinical testing. Allele origin: germline. Affected: no.

Blueprint Genetics
Classification: Uncertain significance. Last evaluated: 2021-02-17. Review status: criteria provided, single submitter. Criteria: ACMG Guidelines, 2015. Collection method: clinical testing. Allele origin: germline.

Ambry Genetics
Classification: Uncertain significance for Hereditary cancer-predisposing syndrome. Last evaluated: 2015-12-13. Review status: criteria provided, single submitter. Criteria: Ambry Autosomal Dominant and X-Linked criteria (10/2015). Collection method: clinical testing. Allele origin: germline. Observed: 1 variant allele.
Comment: The p.I812L variant (also known as c.2434A>C), located in coding exon 21 of the NF1 gene, results from an A to C substitution at nucleotide position 2434. The isoleucine at codon 812 is replaced by leucine, an amino acid with highly similar properties. This variant was not reported in population based cohorts in the following databases: Database of Single Nucleotide Polymorphisms (dbSNP), NHLBI Exome Sequencing Project (ESP), and 1000 Genomes Project. To date, this alteration has been detected with an allele frequency of approximately 0.002% (greater than110000alleles tested) in our clinical cohort.This amino acid position is highly conserved in available vertebrate species. In addition, this alteration is predicted to be tolerated by in silico analysis. Since supporting evidence is limited at this time, the clinical significance of p.I812L remains unclear.

NM_001042492.3(NF1):c.2434A>C (p.Ile812Leu)

Gene: NF1 (neurofibromin 1; plus strand). Cytogenetic location: 17q11.2.
Variant type: single nucleotide variant.
Coding change: c.2434A>C on transcript NM_001042492.3 (MANE Select); coding-DNA position 2434, A replaced by C.
Protein change: p.Ile812Leu; replaces isoleucine 812 with leucine.
Molecular consequence: missense variant.
Genome position (GRCh38, 1-based): chr17:31,229,049, A>C. VCF-style: chr17-31229049-A-C. GRCh37 (hg19) VCF-style: chr17-29556067-A-C.
Other names: c.2434A>C, p.Ile812Leu (NM_000267.4); short protein forms I812L.
Identifiers: ClinVar variation 141640 (VCV000141640.16), dbSNP rs587781899, ClinGen allele CA166008.